The following is an entry in ClinVar:

ClinVar aggregate classification (germline): Uncertain significance. Review status: criteria provided, multiple submitters, no conflicts (2 of 4 stars). 3 submissions from 3 submitters: Uncertain significance (3). Last evaluated 2025-02-10.

Conditions:
Neuromuscular disease caused by qualitative or quantitative defects of dysferlin. Also called: Qualitative or quantitative defects of dysferlin; Dysferlinopathy. Identifiers: Orphanet 207073, MedGen C2931687, MONDO:0016145.

gnomAD v4.1: 1 of 1,614,194 alleles (0.000062%); highest among the groups gnomAD compares: Non-Finnish European, 0.000085%; no homozygotes.

Submissions (3):

GeneDx
Classification: Uncertain significance. Last evaluated: 2025-02-10. Review status: criteria provided, single submitter. Criteria: GeneDx Variant Classification Process June 2021. Collection method: clinical testing. Allele origin: germline. Affected: yes.
Comment: Not observed at significant frequency in large population cohorts (gnomAD); In silico analysis supports that this missense variant has a deleterious effect on protein structure/function; Has not been previously published as pathogenic or benign to our knowledge; This variant is associated with the following publications: (PMID: 24438169)

Revvity Omics, Revvity
Classification: Uncertain significance. Last evaluated: 2022-03-15. Review status: criteria provided, single submitter. Criteria: ACMG Guidelines, 2015. Collection method: clinical testing. Allele origin: germline.

Labcorp Genetics (formerly Invitae), Labcorp
Classification: Uncertain significance for Neuromuscular disease caused by qualitative or quantitative defects of dysferlin. Last evaluated: 2021-08-28. Review status: criteria provided, single submitter. Criteria: Invitae Variant Classification Sherloc (09022015). Collection method: clinical testing. Allele origin: germline.
Comment: This sequence change replaces tryptophan with arginine at codon 1869 of the DYSF protein (p.Trp1869Arg). The tryptophan residue is highly conserved and there is a moderate physicochemical difference between tryptophan and arginine. This variant is not present in population databases (ExAC no frequency). This variant has not been reported in the literature in individuals affected with DYSF-related conditions. Advanced modeling of protein sequence and biophysical properties (such as structural, functional, and spatial information, amino acid conservation, physicochemical variation, residue mobility, and thermodynamic stability) performed at Invitae indicates that this missense variant is expected to disrupt DYSF protein function. In summary, the available evidence is currently insufficient to determine the role of this variant in disease. Therefore, it has been classified as a Variant of Uncertain Significance.

NM_001130987.2(DYSF):c.5722T>C (p.Trp1908Arg)

Gene: DYSF (dysferlin; plus strand). Cytogenetic location: 2p13.2.
Variant type: single nucleotide variant.
Coding change: c.5722T>C on transcript NM_001130987.2 (MANE Select); coding-DNA position 5722, T replaced by C.
Protein change: p.Trp1908Arg; replaces tryptophan 1908 with arginine.
Molecular consequence: missense variant.
Genome position (GRCh38, 1-based): chr2:71,669,684, T>C. VCF-style: chr2-71669684-T-C. GRCh37 (hg19) VCF-style: chr2-71896814-T-C.
Other names: c.5605T>C (NM_003494.3); c.5608T>C, p.Trp1870Arg (NM_001130455.2); c.5563T>C, p.Trp1855Arg (NM_001130976.2); c.5626T>C, p.Trp1876Arg (NM_001130977.2); c.5668T>C, p.Trp1890Arg (NM_001130978.2); c.5698T>C, p.Trp1900Arg (NM_001130979.2); c.5656T>C, p.Trp1886Arg (NM_001130980.2); c.5719T>C, p.Trp1907Arg (NM_001130981.2); and 6 more; short protein forms W1869R, W1877R, W1907R, W1876R, W1891R, W1855R, W1870R, W1856R.
Identifiers: ClinVar variation 1357804 (VCV001357804.8), dbSNP rs2152956607, ClinGen allele CA347223837.